The following is an entry in ClinVar:

ClinVar aggregate classification (germline): Uncertain significance. Review status: criteria provided, multiple submitters, no conflicts (2 of 4 stars). 2 submissions from 2 submitters: Uncertain significance (2). Last evaluated 2026-02-26.

Submissions (2):

GeneDx
Classification: Uncertain significance. Last evaluated: 2026-02-26. Review status: criteria provided, single submitter. Criteria: GeneDx Variant Classification Process June 2021. Collection method: clinical testing. Allele origin: germline.
Comment: In silico analysis suggests that this variant does not alter protein structure/function; Has not been previously published as pathogenic or benign to our knowledge

Labcorp Genetics (formerly Invitae), Labcorp
Classification: Uncertain significance. Last evaluated: 2025-11-24. Review status: criteria provided, single submitter. Criteria: Invitae Variant Classification Sherloc (09022015). Collection method: clinical testing. Allele origin: germline.
Comment: This sequence change replaces alanine, which is neutral and non-polar, with serine, which is neutral and polar, at codon 157 of the KRT14 protein (p.Ala157Ser). Information on the frequency of this variant in the gnomAD database is not available, as this variant may be reported differently in the database. This variant has not been reported in the literature in individuals affected with KRT14-related conditions. ClinVar contains an entry for this variant (Variation ID: 2899219). Experimental studies and prediction algorithms are not available or were not evaluated, and the functional significance of this variant is currently unknown. In summary, the available evidence is currently insufficient to determine the role of this variant in disease. Therefore, it has been classified as a Variant of Uncertain Significance.

NM_000526.5(KRT14):c.468_470delinsCAG (p.Ala157Ser)

Gene: KRT14 (keratin 14; minus strand). Cytogenetic location: 17q21.2.
Variant type: Indel.
Coding change: c.468_470delinsCAG on transcript NM_000526.5 (MANE Select); coding-DNA positions 468 to 470, TGC replaced by CAG.
Protein change: p.Ala157Ser; replaces alanine 157 with serine.
Molecular consequence: missense variant.
Genome position (GRCh38, 1-based): chr17:41,586,365-41,586,367, GCA replaced by CTG on the plus strand (TGC replaced by CAG on the coding strand, the reverse complement: KRT14 is on the minus strand). VCF-style: chr17-41586365-GCA-CTG. GRCh37 (hg19) VCF-style: chr17-39742617-GCA-CTG.
Other names: c.468_470delinsCAG (NM_000526.4); short protein forms A157S.
Identifiers: ClinVar variation 2899219 (VCV002899219.4), dbSNP rs2508736216, ClinGen allele CA2739267535.
Genomic context (GRCh38, chr17:41,586,365, plus strand): 5'-CCCACCTTGTTCCTCAGGTCCTCAATGGTCTTGAAGTAGGGACTGTAGTCTTTGATCTCA[GCA>CTG]GGCCGCTGCCTCTGGTACCAGTCACGGATCTTCACTTCCAGGTCGGCGTTGGCCTCCTCC-3'
Protein context (NP_000517.3, residues 147-167): IRDWYQRQRP[Ala157Ser]EIKDYSPYFK